The following is an entry in ClinVar:

ClinVar aggregate classification (germline): Pathogenic (1 of 4 stars; one submission).

Submission:

Quest Diagnostics Nichols Institute San Juan Capistrano
Classification: Pathogenic. Last evaluated: 2022-08-11. Review status: criteria provided, single submitter. Criteria: ACMG/ClinGen CNV Guidelines, 2019. Collection method: clinical testing. Allele origin: unknown.
Comment: This recurrent microdeletion at 16p12.2 (OMIM 136570; Rehm 2015) is associated with susceptibility to intellectual disability, developmental delay, and additional clinical findings (Girirajan 2018; Redaelli 2019). However, the majority of individuals with the 16p12.2 microdeletion have inherited it from an unaffected or mildly affected parent. This copy number variant (CNV) has been described as a susceptibility locus with variable phenotypic expressivity and reduced penetrance. Based on current medical literature, this CNV is classified as pathogenic. References: Girirajan et al., GeneReviews 2018 Sep 13. PMID: 25719193 Redaelli et al., Int J Mol Sci. 2019 Mar 4;20(5):1095. PMID: 30836598 Rehm et al., N Engl J Med. 2015 Jun 4;372(23):2235-42. PMID: 26014595 (ISCA-37409)

GRCh37/hg19 16p12.2(chr16:21801889-22431357)x1

Genes: CDR2 (cerebellar degeneration related protein 2), EEF2K (eukaryotic elongation factor 2 kinase), MOSMO (modulator of smoothened), NPIPB4 (nuclear pore complex interacting protein family member B4), PDZD9 (PDZ domain containing 9) and 4 more. Cytogenetic location: 16p12.2.
Variant type: copy number loss.
Change: copy number 1 (one copy instead of two) of chr16:21,801,889-22,431,357 (629.5 kb, GRCh37 coordinates, 1-based), cytogenetic band 16p12.2.
Identifiers: ClinVar variation 564299 (VCV000564299.5).